The following is an entry in ClinVar:

NM_001018005.2(TPM1):c.851+4A>T

Gene: TPM1 (tropomyosin 1; plus strand). Cytogenetic location: 15q22.2.
Variant type: single nucleotide variant.
Coding change: c.851+4A>T on transcript NM_001018005.2 (MANE Select); 4 bases into the intron after coding-DNA position 851, A replaced by T.
Molecular consequence: intron variant. On other transcripts: stop lost (11), 3 prime UTR variant (3), non-coding transcript variant (3).
Genome position (GRCh38, 1-based): chr15:63,064,146, A>T. VCF-style: chr15-63064146-A-T. GRCh37 (hg19) VCF-style: chr15-63356345-A-T.
Other names: c.855A>T, p.Ter285Tyr (NM_000366.6, NM_001365779.1, NM_001407330.1 and 4 more transcripts); c.747A>T, p.Ter249Tyr (NM_001365781.2, NM_001365782.1); c.981A>T, p.Ter327Tyr (NM_001407323.1, NM_001407324.1); c.*1337A>T (NM_001407325.1, NM_001407340.1, NM_001407341.1); c.898+1501A>T (NM_001365778.1); c.772+1501A>T (NM_001407336.1, NM_001018020.2, NM_001407338.1 and 8 more transcripts); c.851+4A>T (NM_001407326.1, NM_001407329.1, NM_001301244.2 and 1 more transcripts); c.977+4A>T (NM_001407322.1); and 2 more.
Identifiers: ClinVar variation 3328286 (VCV003328286.1).
Genomic context (GRCh38, chr15:63,064,146, plus strand): 5'-GAAGTACAAAGCCATCAGCGAGGAGCTGGACCACGCTCTCAACGATATGACTTCCATGTA[A>T]ACGTTCATCCACTCTGCCTGCTTACACCCTGCCCTCATGCTAATGTAATAAACTCACCAC-3'

ClinVar aggregate classification (germline): Uncertain significance (1 of 4 stars; one submission).

Conditions:
Cardiovascular phenotype. Identifiers: MedGen CN230736.

Submission:

Ambry Genetics
Classification: Uncertain significance for Cardiovascular phenotype. Last evaluated: 2024-03-27. Review status: criteria provided, single submitter. Criteria: Ambry Variant Classification Scheme 2023. Collection method: clinical testing. Allele origin: germline.
Comment: The c.851+4A>T intronic variant results from an A to T substitution 4 nucleotides after coding exon 9 in the TPM1 gene. This nucleotide position is highly conserved in available vertebrate species. In silico splice site analysis predicts that this alteration will not have any significant effect on splicing. Based on the available evidence, the clinical significance of this alteration remains unclear.